The following is an entry in ClinVar:

NM_016284.5(CNOT1):c.5275G>A (p.Val1759Met)

Gene: CNOT1 (CCR4-NOT transcription complex subunit 1; minus strand). Cytogenetic location: 16q21.
Variant type: single nucleotide variant.
Coding change: c.5275G>A on transcript NM_016284.5 (MANE Select); coding-DNA position 5275, G replaced by A.
Protein change: p.Val1759Met; replaces valine 1759 with methionine.
Molecular consequence: missense variant. On other transcripts: non-coding transcript variant (1).
Genome position (GRCh38, 1-based): chr16:58,538,030, C>T on the plus strand (G>A on the coding strand, the complement: CNOT1 is on the minus strand). VCF-style: chr16-58538030-C-T. GRCh37 (hg19) VCF-style: chr16-58571934-C-T.
Other names: c.5260G>A, p.Val1754Met (NM_001265612.2); short protein forms V1754M, V1759M.
Identifiers: ClinVar variation 4771784 (VCV004771784.1).

ClinVar aggregate classification (germline): Uncertain significance (1 of 4 stars; one submission).

Submission:

Labcorp Genetics (formerly Invitae), Labcorp
Classification: Uncertain significance. Last evaluated: 2025-12-19. Review status: criteria provided, single submitter. Criteria: Invitae Variant Classification Sherloc (09022015). Collection method: clinical testing. Allele origin: germline.
Comment: This sequence change replaces valine, which is neutral and non-polar, with methionine, which is neutral and non-polar, at codon 1754 of the CNOT1 protein (p.Val1754Met). This variant is not present in population databases (gnomAD no frequency). This variant has not been reported in the literature in individuals affected with CNOT1-related conditions. An algorithm developed to predict the effect of missense changes on protein structure and function (PolyPhen-2) suggests that this variant is likely to be disruptive. In summary, the available evidence is currently insufficient to determine the role of this variant in disease. Therefore, it has been classified as a Variant of Uncertain Significance.